The following is an entry in ClinVar:

ClinVar aggregate classification (germline): Uncertain significance. Review status: criteria provided, multiple submitters, no conflicts (2 of 4 stars). 2 submissions from 2 submitters: Uncertain significance (2). Last evaluated 2026-09-11.

Submissions (2):

GeneDx
Classification: Uncertain significance. Last evaluated: 2026-09-11. Review status: criteria provided, single submitter. Criteria: GeneDx Variant Classification Process June 2021. Collection method: clinical testing. Allele origin: germline.
Comment: Not observed at significant frequency in large population cohorts (gnomAD); In silico analysis suggests that this missense variant does not alter protein structure/function; Has not been previously published as pathogenic or benign to our knowledge

Ambry Genetics
Classification: Uncertain significance. Last evaluated: 2024-09-27. Review status: criteria provided, single submitter. Criteria: Ambry Variant Classification Scheme 2023. Collection method: clinical testing. Allele origin: germline.

NM_017757.3(ZNF407):c.2833C>T (p.His945Tyr)

Genes: ZNF407 (zinc finger protein 407; plus strand), LOC126862798 (MED14-independent group 3 enhancer GRCh37_chr18:72345358-72346557; plus strand). Cytogenetic location: 18q22.3.
Variant type: single nucleotide variant.
Coding change: c.2833C>T on transcript NM_017757.3 (MANE Select); coding-DNA position 2833, C replaced by T.
Protein change: p.His945Tyr; replaces histidine 945 with tyrosine.
Molecular consequence: missense variant.
Genome position (GRCh38, 1-based): chr18:74,633,852, C>T. VCF-style: chr18-74633852-C-T. GRCh37 (hg19) VCF-style: chr18-72345808-C-T.
Other names: c.2833C>T, p.His945Tyr (NM_001146189.1, NM_001146190.1, NM_001384475.1); short protein forms H945Y.
Identifiers: ClinVar variation 3475699 (VCV003475699.3).